The following is an entry in ClinVar:

ClinVar aggregate classification (germline): Conflicting classifications of pathogenicity. Review status: criteria provided, conflicting classifications (1 of 4 stars). 4 submissions from 4 submitters: Uncertain significance (2); Likely benign (1). 1 of the submissions does not count toward it. Last evaluated 2026-01-21.

Conditions:
Familial thoracic aortic aneurysm and aortic dissection (TAAD). Also called: Thoracic aortic aneurysms and dissections. Identifiers: Orphanet 91387, MedGen C4707243, MONDO:0019625.
MYLK-related disorder. Also called: MYLK-related condition.
Aortic aneurysm, familial thoracic 7 (AAT7). Also called: AORTIC DISSECTION, FAMILIAL, WITH OR WITHOUT AORTIC ANEURYSM. Identifiers: MedGen C3151077, MONDO:0013418, OMIM 613780.

Allele frequency attached by ClinVar (database versions not stated): ExAC 0.00009; gnomAD exomes 0.00009; 1000 Genomes Project 30x 0.00031; ESP Exome Variant Server 0.00031; gnomAD 0.00053; TOPMed 0.00054.
gnomAD v4.1: 123 of 1,614,200 alleles (0.0076%); highest among the groups gnomAD compares: African/African-American, 0.16%; no homozygotes.

Submissions (4):

Labcorp Genetics (formerly Invitae), Labcorp
Classification: Likely benign for Aortic aneurysm, familial thoracic 7. Last evaluated: 2026-01-21. Review status: criteria provided, single submitter. Criteria: Invitae Variant Classification Sherloc (09022015). Collection method: clinical testing. Allele origin: germline.

Ambry Genetics
Classification: Uncertain significance for Familial thoracic aortic aneurysm and aortic dissection. Last evaluated: 2025-02-10. Review status: criteria provided, single submitter. Criteria: Ambry Variant Classification Scheme 2023. Collection method: clinical testing. Allele origin: germline.
Comment: The p.G407C variant (also known as c.1219G>T), located in coding exon 7 of the MYLK gene, results from a G to T substitution at nucleotide position 1219. The glycine at codon 407 is replaced by cysteine, an amino acid with highly dissimilar properties. This amino acid position is poorly conserved in available vertebrate species. In addition, this alteration is predicted to be tolerated by in silico analysis. Since supporting evidence is limited at this time, the clinical significance of this alteration remains unclear.

GeneDx
Classification: Uncertain significance. Last evaluated: 2023-12-13. Review status: criteria provided, single submitter. Criteria: GeneDx Variant Classification Process June 2021. Collection method: clinical testing. Allele origin: germline. Affected: yes.
Comment: Has not been previously published as pathogenic or benign to our knowledge; In silico analysis supports that this missense variant has a deleterious effect on protein structure/function

PreventionGenetics, part of Exact Sciences
Classification: Likely benign for MYLK-related condition. Last evaluated: 2023-01-30. Review status: no assertion criteria provided. Collection method: clinical testing. Allele origin: germline. Not counted in ClinVar's aggregate classification.
Comment: This variant is classified as likely benign based on ACMG/AMP sequence variant interpretation guidelines (Richards et al. 2015 PMID: 25741868, with internal and published modifications).

NM_053025.4(MYLK):c.1219G>T (p.Gly407Cys)

Gene: MYLK (myosin light chain kinase; minus strand). Cytogenetic location: 3q21.1.
Variant type: single nucleotide variant.
Coding change: c.1219G>T on transcript NM_053025.4 (MANE Select); coding-DNA position 1219, G replaced by T.
Protein change: p.Gly407Cys; replaces glycine 407 with cysteine.
Molecular consequence: missense variant.
Genome position (GRCh38, 1-based): chr3:123,733,777, C>A on the plus strand (G>T on the coding strand, the complement: MYLK is on the minus strand). VCF-style: chr3-123733777-C-A. GRCh37 (hg19) VCF-style: chr3-123452624-C-A.
Other names: c.691G>T, p.Gly231Cys (NM_001321309.2); c.1219G>T, p.Gly407Cys (NM_053026.4, NM_053027.4, NM_053028.4); short protein forms G407C, G231C.
Identifiers: ClinVar variation 264402 (VCV000264402.22), dbSNP rs199719143, ClinGen allele CA066831.
Genomic context (GRCh38, chr3:123,733,777, plus strand): 5'-CCTTGACCTCCTGGCTTTGGGGCTTGCTCTCAAATTTGGGGAATGCTGAATCCCTCTGGC[C>A]CTCCATGGGGATTCTCCTGTTAGCAGCCTTGCTCACAACATCTTGGCTCCCCAGGCCAGG-3'
Protein context (NP_444253.3, residues 397-417): KAANRRIPME[Gly407Cys]QRDSAFPKFE